The following is an entry in ClinVar:

NM_001029883.3(PCARE):c.3090dup (p.Ser1031fs)

Gene: PCARE (photoreceptor cilium actin regulator; minus strand). Cytogenetic location: 2p23.2.
Variant type: Duplication.
Coding change: c.3090dup on transcript NM_001029883.3 (MANE Select); coding-DNA position 3090, one base duplicated (C; older notation c.3090dupC).
Protein change: p.Ser1031fs; shifts the reading frame from serine 1031.
Molecular consequence: frameshift variant.
Genome position (GRCh38, 1-based): chr2:29,071,172, G duplicated on the plus strand (C on the coding strand, the reverse complement: PCARE is on the minus strand); the first of 6 consecutive G bases (chr2:29,071,172-29,071,177); duplicating any one gives the same sequence. VCF-style (leftmost placement, unchanged base first): chr2-29071171-T-TG. GRCh37 (hg19) VCF-style: chr2-29294037-T-TG.
Other names: short protein forms S1031fs.
Identifiers: ClinVar variation 632360 (VCV000632360.9), dbSNP rs1558488002, ClinGen allele CA531766655.

ClinVar aggregate classification (germline): Pathogenic (1 of 4 stars; one submission).

Submission:

Labcorp Genetics (formerly Invitae), Labcorp
Classification: Pathogenic. Last evaluated: 2022-12-07. Review status: criteria provided, single submitter. Criteria: Invitae Variant Classification Sherloc (09022015). Collection method: clinical testing. Allele origin: germline.
Comment: ClinVar contains an entry for this variant (Variation ID: 632360). This variant has not been reported in the literature in individuals affected with PCARE-related conditions. This variant is not present in population databases (gnomAD no frequency). For these reasons, this variant has been classified as Pathogenic. This sequence change creates a premature translational stop signal (p.Ser1031Glnfs*76) in the PCARE gene. It is expected to result in an absent or disrupted protein product. Loss-of-function variants in PCARE are known to be pathogenic (PMID: 20398886, 24339724, 26496393).

Literature cited by the submitters: PubMed 20398886; PubMed 24339724; PubMed 26496393.